The following is an entry in ClinVar:

ClinVar aggregate classification (germline): Pathogenic (1 of 4 stars; one submission).

Submission:

GeneDx
Classification: Pathogenic. Last evaluated: 2025-08-19. Review status: criteria provided, single submitter. Criteria: GeneDx Variant Classification Process June 2021. Collection method: clinical testing. Allele origin: germline. Affected: yes.
Comment: Identified in patients with HHT referred for genetic testing at GeneDx and in published literature (PMID: 34872578, 16429404); Canonical splice site variant predicted to result in a null allele in a gene for which loss of function is a known mechanism of disease; Not observed at significant frequency in large population cohorts (gnomAD); This variant is associated with the following publications: (PMID: 25525159, 34872578, 16429404)

NM_001114753.3(ENG):c.816+2T>A

Gene: ENG (endoglin; minus strand). Cytogenetic location: 9q34.11.
Variant type: single nucleotide variant.
Coding change: c.816+2T>A on transcript NM_001114753.3 (MANE Select); the canonical splice donor site of the intron after coding-DNA position 816, T replaced by A.
Molecular consequence: splice donor variant.
Genome position (GRCh38, 1-based): chr9:127,825,229, A>T on the plus strand (T>A on the coding strand, the complement: ENG is on the minus strand). VCF-style: chr9-127825229-A-T. GRCh37 (hg19) VCF-style: chr9-130587508-A-T.
Other names: c.816+2T>A (NM_000118.4, NM_001406715.1); c.270+2T>A (NM_001278138.2).
Identifiers: ClinVar variation 4796652 (VCV004796652.1).